The following is an entry in ClinVar:

NM_007194.4(CHEK2):c.592+1G>A

Gene: CHEK2 (checkpoint kinase 2; minus strand). Cytogenetic location: 22q12.1.
Variant type: single nucleotide variant.
Coding change: c.592+1G>A on transcript NM_007194.4 (MANE Select); the canonical splice donor site of the intron after coding-DNA position 592, G replaced by A.
Molecular consequence: splice donor variant. On other transcripts: intron variant (1).
Genome position (GRCh38, 1-based): chr22:28,724,976, C>T on the plus strand (G>A on the coding strand, the complement: CHEK2 is on the minus strand). VCF-style: chr22-28724976-C-T. GRCh37 (hg19) VCF-style: chr22-29120964-C-T.
Other names: c.-72+1G>A (NM_001437942.1); c.445-53G>A (NM_001349956.3); c.592+1G>A (NM_145862.3); c.-186+1G>A (NM_001257387.3); c.685+1G>A (NM_001438295.1, NM_001438293.1); c.721+1G>A (NM_001438294.1, NM_001005735.3).
Identifiers: ClinVar variation 651111 (VCV000651111.15), dbSNP rs1601822722, ClinGen allele CA411106888.
Genomic context (GRCh38, chr22:28,724,976, plus strand): 5'-TTTTCCTCCTATGAGAGAGTGGAAAAAAAAAATTCCAGTAACCATAAGATAATAATATTA[C>T]CTTTATTTCTGCTTAGTGACAGTGCAATTTCAGAATTGTTATTCAAAGGACGGCGTTTTC-3'

ClinVar aggregate classification (germline): Pathogenic/Likely pathogenic. Review status: criteria provided, multiple submitters, no conflicts (2 of 4 stars). 3 submissions from 3 submitters: Pathogenic (1); Likely pathogenic (2). Last evaluated 2025-03-30.

Conditions:
Hereditary cancer-predisposing syndrome. Also called: Neoplastic Syndromes, Hereditary; Tumor predisposition; Hereditary Cancer Syndrome; Hereditary neoplastic syndrome. Identifiers: Orphanet 140162, MedGen C0027672, MeSH D009386, MONDO:0015356.
Familial cancer of breast. Also called: hereditary breast carcinoma; Hereditary breast cancer; BREAST CANCER, FAMILIAL. Identifiers: Orphanet 227535, MedGen C0346153, MONDO:0016419, OMIM 114480. Disease mechanism: loss of function.

Submissions (3):

Labcorp Genetics (formerly Invitae), Labcorp
Classification: Likely pathogenic for Familial cancer of breast. Last evaluated: 2025-03-30. Review status: criteria provided, single submitter. Criteria: Invitae Variant Classification Sherloc (09022015). Collection method: clinical testing. Allele origin: germline.
Comment: This sequence change affects a donor splice site in intron 4 of the CHEK2 gene. It is expected to disrupt RNA splicing. Variants that disrupt the donor or acceptor splice site typically lead to a loss of protein function (PMID: 16199547), and loss-of-function variants in CHEK2 are known to be pathogenic (PMID: 21876083, 24713400). This variant is not present in population databases (gnomAD no frequency). This variant has not been reported in the literature in individuals affected with CHEK2-related conditions. ClinVar contains an entry for this variant (Variation ID: 651111). Algorithms developed to predict the effect of sequence changes on RNA splicing suggest that this variant may disrupt the consensus splice site. In summary, the currently available evidence indicates that the variant is pathogenic, but additional data are needed to prove that conclusively. Therefore, this variant has been classified as Likely Pathogenic.

Ambry Genetics
Classification: Pathogenic for Hereditary cancer-predisposing syndrome. Last evaluated: 2024-09-11. Review status: criteria provided, single submitter. Criteria: Ambry Variant Classification Scheme 2023. Collection method: clinical testing. Allele origin: germline.
Comment: The c.592+1G>A intronic pathogenic mutation results from a G to A substitution one nucleotide after coding exon 3 of the CHEK2 gene. This nucleotide position is highly conserved in available vertebrate species. RNA studies have demonstrated that this alteration results in abnormal splicing in the set of samples tested (Ambry internal data). Another alteration at this same donor site, CHEK2 c.592+3A>T, results in abnormal splicing in the set of samples tested (Ambry internal data). This variant is considered to be rare based on population cohorts in the Genome Aggregation Database (gnomAD). Alterations that disrupt the canonical splice site are expected to cause aberrant splicing, resulting in an abnormal protein or a transcript that is subject to nonsense-mediated mRNA decay. Based on the majority of available evidence to date, this alteration is classified as a disease-causing mutation.

Myriad Genetics, Inc.
Classification: Likely pathogenic for Familial cancer of breast. Last evaluated: 2023-06-26. Review status: criteria provided, single submitter. Criteria: Myriad Autosomal Dominant, Autosomal Recessive and X-Linked Classification Criteria (2023). Collection method: clinical testing. Allele origin: unknown.
Comment: This variant is considered likely pathogenic. This variant occurs within a consensus splice junction and is predicted to result in abnormal mRNA splicing of either an out-of-frame exon or an in-frame exon necessary for protein stability and/or normal function.

Literature cited by the submitters: PubMed 16199547 (cited by Labcorp Genetics (formerly Invitae), Labcorp); PubMed 21876083 (cited by Labcorp Genetics (formerly Invitae), Labcorp); PubMed 24713400 (cited by Labcorp Genetics (formerly Invitae), Labcorp).